The following is an entry in ClinVar:

ClinVar aggregate classification (germline): Uncertain significance (1 of 4 stars; one submission).

Allele frequency attached by ClinVar (database versions not stated): gnomAD exomes below 0.00001 and 0.00001; gnomAD 0.00001.
gnomAD v4.1: 7 of 1,505,348 alleles (0.00047%); highest among the groups gnomAD compares: Non-Finnish European, 0.00062%; no homozygotes.

Submission:

Labcorp Genetics (formerly Invitae), Labcorp
Classification: Uncertain significance. Last evaluated: 2022-02-03. Review status: criteria provided, single submitter. Criteria: Invitae Variant Classification Sherloc (09022015). Collection method: clinical testing. Allele origin: germline.
Comment: Algorithms developed to predict the effect of missense changes on protein structure and function are either unavailable or do not agree on the potential impact of this missense change (SIFT: "Tolerated"; PolyPhen-2: "Not Available"; Align-GVGD: "Class C0"). In summary, the available evidence is currently insufficient to determine the role of this variant in disease. Therefore, it has been classified as a Variant of Uncertain Significance. This sequence change replaces threonine, which is neutral and polar, with arginine, which is basic and polar, at codon 753 of the PDZD7 protein (p.Thr753Arg). This variant is not present in population databases (gnomAD no frequency). This variant has not been reported in the literature in individuals affected with PDZD7-related conditions. ClinVar contains an entry for this variant (Variation ID: 943225).

NM_001195263.2(PDZD7):c.2258C>G (p.Thr753Arg)

Gene: PDZD7 (PDZ domain containing 7; minus strand). Cytogenetic location: 10q24.31.
Variant type: single nucleotide variant.
Coding change: c.2258C>G on transcript NM_001195263.2 (MANE Select); coding-DNA position 2258, C replaced by G.
Protein change: p.Thr753Arg; replaces threonine 753 with arginine.
Molecular consequence: missense variant.
Genome position (GRCh38, 1-based): chr10:101,010,631, G>C on the plus strand (C>G on the coding strand, the complement: PDZD7 is on the minus strand). VCF-style: chr10-101010631-G-C. GRCh37 (hg19) VCF-style: chr10-102770388-G-C.
Other names: short protein forms T753R.
Identifiers: ClinVar variation 943225 (VCV000943225.9), dbSNP rs1175879167, ClinGen allele CA378224774.
Genomic context (GRCh38, chr10:101,010,631, plus strand): 5'-CGGCTCTGAGCCCGGCCCCGGATCTGGCTCTGCGGAGGGTGCTCTCGGCTCAGGGGTTCT[G>C]TCAGCAGCCAGTTAGGCCGCAGGGGCCGGGGAGCCACGGGGGGTAGCTGGGGAGGGGGTG-3'
Protein context (NP_001182192.1, residues 743-763): PRPLRPNWLL[Thr753Arg]EPLSREHPPQ